The following is an entry in ClinVar:

ClinVar aggregate classification (germline): Uncertain significance (1 of 4 stars; one submission).

Conditions:
Epidermolysis bullosa simplex with nail dystrophy (EBS5D). Identifiers: MedGen C4225309, MONDO:0014661, OMIM 616487.
Epidermolysis bullosa simplex, Ogna type (EBS5A). Also called: Pidermolysis bullosa simplex 5A, Ogna type; EPIDERMOLYSIS BULLOSA SIMPLEX 5A, OGNA TYPE. Identifiers: Orphanet 79401, MedGen C0432317, MONDO:0007555, OMIM 131950.
Autosomal recessive limb-girdle muscular dystrophy type 2Q (LGMDR17). Also called: MUSCULAR DYSTROPHY, LIMB-GIRDLE, AUTOSOMAL RECESSIVE 17. Identifiers: Orphanet 254361, MedGen C3150989, MONDO:0013390, OMIM 613723.
Epidermolysis bullosa simplex 5C, with pyloric atresia (EBS5C). Also called: PLEC-Related Epidermolysis Bullosa with Pyloric Atresia; Epidermolysis bullosa simplex with pyloric atresia; PLEC1-Related Epidermolysis Bullosa with Pyloric Atresia. Identifiers: Orphanet 158684, MedGen C2677349, MONDO:0012807, OMIM 612138.
Epidermolysis bullosa simplex 5B, with muscular dystrophy (EBS5B). Also called: EPIDERMOLYSIS BULLOSA SIMPLEX AND LIMB-GIRDLE MUSCULAR DYSTROPHY; Epidermolysis bullosa simplex with muscular dystrophy. Identifiers: Orphanet 257, MedGen C2931072, MONDO:0009181, OMIM 226670.

Submission:

Labcorp Genetics (formerly Invitae), Labcorp
Classification: Uncertain significance for Autosomal recessive limb-girdle muscular dystrophy type 2Q; Epidermolysis bullosa simplex, Ogna type; Epidermolysis bullosa simplex with nail dystrophy; Epidermolysis bullosa simplex 5C, with pyloric atresia; Epidermolysis bullosa simplex 5B, with muscular dystrophy. Last evaluated: 2025-03-31. Review status: criteria provided, single submitter. Criteria: Invitae Variant Classification Sherloc (09022015). Collection method: clinical testing. Allele origin: germline.
Comment: This sequence change replaces proline, which is neutral and non-polar, with histidine, which is basic and polar, at codon 3903 of the PLEC protein (p.Pro3903His). This variant is present in population databases (no rsID available, gnomAD 0.003%). This variant has not been reported in the literature in individuals affected with PLEC-related conditions. An algorithm developed to predict the effect of missense changes on protein structure and function (PolyPhen-2) suggests that this variant is likely to be tolerated. In summary, the available evidence is currently insufficient to determine the role of this variant in disease. Therefore, it has been classified as a Variant of Uncertain Significance.

NM_201384.3(PLEC):c.11627_11628delinsAC (p.Pro3876His)

Gene: PLEC (plectin; minus strand). Cytogenetic location: 8q24.3.
Variant type: Indel.
Coding change: c.11627_11628delinsAC on transcript NM_201384.3 (MANE Select); coding-DNA positions 11627 to 11628, CA replaced by AC.
Protein change: p.Pro3876His; replaces proline 3876 with histidine.
Molecular consequence: missense variant.
Genome position (GRCh38, 1-based): chr8:143,918,193-143,918,194, TG replaced by GT on the plus strand (CA replaced by AC on the coding strand, the reverse complement: PLEC is on the minus strand). VCF-style: chr8-143918193-TG-GT. GRCh37 (hg19) VCF-style: chr8-144992361-TG-GT.
Other names: c.11708_11709delinsAC, p.Pro3903His (NM_000445.5); c.11585_11586delinsAC, p.Pro3862His (NM_201378.4); c.11561_11562delinsAC, p.Pro3854His (NM_201379.3); c.12038_12039delinsAC, p.Pro4013His (NM_201380.4); c.11531_11532delinsAC, p.Pro3844His (NM_201381.3); c.11627_11628delinsAC, p.Pro3876His (NM_201382.4); c.11639_11640delinsAC, p.Pro3880His (NM_201383.3); short protein forms P3844H, P3876H, P3854H, P3862H, P3880H, P3903H, P4013H.
Identifiers: ClinVar variation 471523 (VCV000471523.7), dbSNP rs1554674298, ClinGen allele CA658657834.
Genomic context (GRCh38, chr8:143,918,193, plus strand): 5'-CTCCTCCATGGTGATCTGCTTCCGCAGGCCACGGAAGGTCAGCTTGCGGGCGTCCGACAG[TG>GT]GCAGGAGCAGCTGGCCGGTGCCGTCGTCACGACGGCACCGCCTGAGCAGCTGCGTGTAGC-3'
Protein context (NP_958786.1, residues 3866-3886): RDDGTGQLLL[Pro3876His]LSDARKLTFR